The following is an entry in ClinVar:

ClinVar aggregate classification (germline): Uncertain significance (1 of 4 stars; one submission).

Conditions:
Temtamy syndrome (TEMTYS). Also called: MENTAL RETARDATION WITH OR WITHOUT CRANIOFACIAL DYSMORPHISM, OCULAR COLOBOMA, OR ABNORMAL CORPUS CALLOSUM. Identifiers: Orphanet 1777, MedGen C1857512, MONDO:0009033, OMIM 218340.

Allele frequency attached by ClinVar (database versions not stated): gnomAD 0.00001 and 0.00002; gnomAD exomes 0.00001 and 0.00004; ExAC 0.00007.

Submission:

Labcorp Genetics (formerly Invitae), Labcorp
Classification: Uncertain significance for Temtamy syndrome. Last evaluated: 2022-07-30. Review status: criteria provided, single submitter. Criteria: Invitae Variant Classification Sherloc (09022015). Collection method: clinical testing. Allele origin: germline.
Comment: In summary, the available evidence is currently insufficient to determine the role of this variant in disease. Therefore, it has been classified as a Variant of Uncertain Significance. Algorithms developed to predict the effect of sequence changes on RNA splicing suggest that this variant may disrupt the consensus splice site. Algorithms developed to predict the effect of missense changes on protein structure and function are either unavailable or do not agree on the potential impact of this missense change (SIFT: "Deleterious"; PolyPhen-2: "Benign"; Align-GVGD: "Class C0"). ClinVar contains an entry for this variant (Variation ID: 852238). This sequence change replaces valine, which is neutral and non-polar, with methionine, which is neutral and non-polar, at codon 18 of the C12orf57 protein (p.Val18Met). This variant is present in population databases (rs782339702, gnomAD 0.008%). This variant has not been reported in the literature in individuals affected with C12orf57-related conditions.

NM_138425.4(C12orf57):c.52G>A (p.Val18Met)

Gene: C12orf57 (chromosome 12 open reading frame 57; plus strand). Cytogenetic location: 12p13.31.
Variant type: single nucleotide variant.
Coding change: c.52G>A on transcript NM_138425.4 (MANE Select); coding-DNA position 52, G replaced by A.
Protein change: p.Val18Met; replaces valine 18 with methionine.
Molecular consequence: missense variant. On other transcripts: 5 prime UTR variant (1), non-coding transcript variant (1), intron variant (1).
Genome position (GRCh38, 1-based): chr12:6,944,173, G>A. VCF-style: chr12-6944173-G-A. GRCh37 (hg19) VCF-style: chr12-7053336-G-A.
Other names: c.52G>A, p.Val18Met (NM_001301834.1, NM_001301837.2); c.-150G>A (NM_001301838.2); c.14-303G>A (NM_001301836.2); short protein forms V18M.
Identifiers: ClinVar variation 852238 (VCV000852238.5), dbSNP rs782339702, ClinGen allele CA6421198.